The following is an entry in ClinVar:

ClinVar aggregate classification (germline): Conflicting classifications of pathogenicity. Review status: criteria provided, conflicting classifications (1 of 4 stars). 2 submissions from 2 submitters: Likely pathogenic (1); Uncertain significance (1). Last evaluated 2025-02-16.

Allele frequency attached by ClinVar (database versions not stated): gnomAD exomes below 0.00001; TOPMed below 0.00001; gnomAD 0.00001.
gnomAD v4.1: 2 of 1,611,832 alleles (0.00012%); highest among the groups gnomAD compares: East Asian, 0.0022%; no homozygotes.

Submissions (2):

Laboratory of Genetics, Children's Clinical University Hospital Latvia
Classification: Likely pathogenic. Last evaluated: 2025-02-16. Review status: criteria provided, single submitter. Criteria: ACMG Guidelines, 2015. Collection method: clinical testing. Allele origin: germline. Affected: yes.

GeneDx
Classification: Uncertain significance. Last evaluated: 2022-01-05. Review status: criteria provided, single submitter. Criteria: GeneDx Variant Classification Process June 2021. Collection method: clinical testing. Allele origin: germline. Affected: yes.
Comment: Located in an alternate transcript of the gene; Not observed at significant frequency in large population cohorts (gnomAD); Nonsense variant predicted to result in protein truncation or nonsense mediated decay in a gene for which loss-of-function is not a known mechanism of disease; Has not been previously published as pathogenic or benign to our knowledge

NM_080425.4(GNAS):c.730C>T (p.Arg244Ter)

Gene: GNAS (GNAS complex locus; plus strand). Cytogenetic location: 20q13.32.
Variant type: single nucleotide variant.
Coding change: c.730C>T on transcript NM_080425.4 (MANE Plus Clinical); coding-DNA position 730, C replaced by T.
Protein change: p.Arg244Ter; replaces arginine 244 with a stop codon.
Molecular consequence: nonsense. On other transcripts: synonymous variant (2), intron variant (3).
Genome position (GRCh38, 1-based): chr20:58,853,995, C>T. VCF-style: chr20-58853995-C-T. GRCh37 (hg19) VCF-style: chr20-57429050-C-T.
Other names: c.543C>T, p.Pro181= (NM_001077490.3, NM_001309883.1); c.730C>T, p.Arg244Ter (NM_001410913.1); c.*42+13109C>T (NM_016592.5); c.43+13109C>T (NM_001410912.1); c.-39+12120C>T (NM_001309861.2); short protein forms R244*.
Identifiers: ClinVar variation 1695606 (VCV001695606.3), dbSNP rs1446835451, ClinGen allele CA409457645.